The following is an entry in ClinVar:

NM_002470.4(MYH3):c.1751C>T (p.Ala584Val)

Gene: MYH3 (myosin heavy chain 3; minus strand). Cytogenetic location: 17p13.1.
Variant type: single nucleotide variant.
Coding change: c.1751C>T on transcript NM_002470.4 (MANE Select); coding-DNA position 1751, C replaced by T.
Protein change: p.Ala584Val; replaces alanine 584 with valine.
Molecular consequence: missense variant.
Genome position (GRCh38, 1-based): chr17:10,642,554, G>A on the plus strand (C>T on the coding strand, the complement: MYH3 is on the minus strand). VCF-style: chr17-10642554-G-A. GRCh37 (hg19) VCF-style: chr17-10545871-G-A.
Other names: c.1751C>T (NM_002470.3); short protein forms A584V.
Identifiers: ClinVar variation 2776609 (VCV002776609.5), dbSNP rs2074282995, ClinGen allele CA398171352.

ClinVar aggregate classification (germline): Uncertain significance. Review status: criteria provided, multiple submitters, no conflicts (2 of 4 stars). 2 submissions from 2 submitters: Uncertain significance (2). Last evaluated 2024-09-25.

gnomAD v4.1: 2 of 1,614,184 alleles (0.00012%); highest among the groups gnomAD compares: Non-Finnish European, 0.00017%; no homozygotes.

Submissions (3):

GeneDx
Classification: Uncertain significance. Last evaluated: 2024-09-25. Review status: criteria provided, single submitter. Criteria: GeneDx Variant Classification Process June 2021. Collection method: clinical testing. Allele origin: germline. Affected: yes.
Comment: Not observed at significant frequency in large population cohorts (gnomAD); In silico analysis supports that this missense variant has a deleterious effect on protein structure/function; Has not been previously published as pathogenic or benign to our knowledge

Labcorp Genetics (formerly Invitae), Labcorp
Classification: Uncertain significance. Last evaluated: 2023-10-19. Review status: criteria provided, single submitter. Criteria: Invitae Variant Classification Sherloc (09022015). Collection method: clinical testing. Allele origin: germline.
Comment: This sequence change replaces alanine, which is neutral and non-polar, with valine, which is neutral and non-polar, at codon 584 of the MYH3 protein (p.Ala584Val). This variant is not present in population databases (gnomAD no frequency). This variant has not been reported in the literature in individuals affected with MYH3-related conditions. Advanced modeling of protein sequence and biophysical properties (such as structural, functional, and spatial information, amino acid conservation, physicochemical variation, residue mobility, and thermodynamic stability) has been performed at Invitae for this missense variant, however the output from this modeling did not meet the statistical confidence thresholds required to predict the impact of this variant on MYH3 protein function. In summary, the available evidence is currently insufficient to determine the role of this variant in disease. Therefore, it has been classified as a Variant of Uncertain Significance.

Dr. Peter K. Rogan Lab, Western University
No classification provided (evidence only). Condition: Malignant tumor of urinary bladder. Review status: no classification provided. Collection method: in vitro. Allele origin: not applicable. Functional consequence: retained intron. Not counted in ClinVar's aggregate classification.